The following is an entry in ClinVar:

ClinVar aggregate classification (germline): Uncertain significance (1 of 4 stars; one submission).

Allele frequency attached by ClinVar (database versions not stated): TOPMed below 0.00001; gnomAD 0.00001.
gnomAD v4.1: 1 of 1,613,202 alleles (0.000062%); highest among the groups gnomAD compares: Non-Finnish European, 0.000085%; no homozygotes.

Submission:

Labcorp Genetics (formerly Invitae), Labcorp
Classification: Uncertain significance. Last evaluated: 2021-06-18. Review status: criteria provided, single submitter. Criteria: Invitae Variant Classification Sherloc (09022015). Collection method: clinical testing. Allele origin: germline.
Comment: This sequence change replaces proline with leucine at codon 1433 of the CARMIL2 protein (p.Pro1433Leu). The proline residue is moderately conserved and there is a moderate physicochemical difference between proline and leucine. This variant is not present in population databases (ExAC no frequency). This variant has not been reported in the literature in individuals with CARMIL2-related conditions. Algorithms developed to predict the effect of missense changes on protein structure and function are either unavailable or do not agree on the potential impact of this missense change (SIFT: "Tolerated"; PolyPhen-2: "Probably Damaging"; Align-GVGD: "Class C0"). In summary, the available evidence is currently insufficient to determine the role of this variant in disease. Therefore, it has been classified as a Variant of Uncertain Significance.

NM_001013838.3(CARMIL2):c.4298C>T (p.Pro1433Leu)

Gene: CARMIL2 (capping protein regulator and myosin 1 linker 2; plus strand). Cytogenetic location: 16q22.1.
Variant type: single nucleotide variant.
Coding change: c.4298C>T on transcript NM_001013838.3 (MANE Select); coding-DNA position 4298, C replaced by T.
Protein change: p.Pro1433Leu; replaces proline 1433 with leucine.
Molecular consequence: missense variant.
Genome position (GRCh38, 1-based): chr16:67,657,508, C>T. VCF-style: chr16-67657508-C-T. GRCh37 (hg19) VCF-style: chr16-67691411-C-T.
Other names: c.4109C>T, p.Pro1370Leu (NM_001317026.3); short protein forms P1433L, P1370L.
Identifiers: ClinVar variation 1460527 (VCV001460527.8), dbSNP rs1340354834, ClinGen allele CA396349420.